The following is an entry in ClinVar:

ClinVar aggregate classification (germline): Likely benign. Review status: criteria provided, multiple submitters, no conflicts (2 of 4 stars). 2 submissions from 2 submitters: Likely benign (2). Last evaluated 2026-05-21.

Conditions:
Agammaglobulinemia 6, autosomal recessive (AGM6). Also called: AGAMMAGLOBULINEMIA 6; AGAMMAGLOBULINEMIA, AUTOSOMAL RECESSIVE, DUE TO CD79B DEFECT. Identifiers: MedGen C3150207, MONDO:0012987, OMIM 612692.
CD79B-related disorder. Also called: CD79B-related condition.

Allele frequency attached by ClinVar (database versions not stated): gnomAD exomes 0.00001 and 0.00002; ExAC 0.00002; gnomAD 0.00002 and 0.00003; TOPMed 0.00004; 1000 Genomes Project 0.00040; 1000 Genomes Project 30x 0.00047.
gnomAD v4.1: 22 of 1,614,214 alleles (0.0014%); highest among the groups gnomAD compares: Admixed American, 0.03%; no homozygotes.

Submissions (2):

PreventionGenetics, part of Exact Sciences
Classification: Likely benign for CD79B-related condition. Last evaluated: 2026-05-21. Review status: criteria provided, single submitter. Criteria: ACMG Guidelines, 2015. Collection method: clinical testing. Allele origin: germline.
Comment: This variant is classified as likely benign based on ACMG/AMP sequence variant interpretation guidelines (Richards et al. 2015 PMID: 25741868, with internal and published modifications).

Labcorp Genetics (formerly Invitae), Labcorp
Classification: Likely benign for Agammaglobulinemia 6, autosomal recessive. Last evaluated: 2024-06-28. Review status: criteria provided, single submitter. Criteria: Invitae Variant Classification Sherloc (09022015). Collection method: clinical testing. Allele origin: germline.

NM_000626.4(CD79B):c.261G>A (p.Gln87=)

Genes: GH-LCR (growth hormone locus control region; plus strand), CD79B (CD79b molecule; minus strand). Cytogenetic location: 17q23.3.
Variant type: single nucleotide variant.
Coding change: c.261G>A on transcript NM_000626.4 (MANE Select); coding-DNA position 261, G replaced by A.
Protein change: p.Gln87=; no amino-acid change (glutamine 87 retained).
Molecular consequence: synonymous variant. On other transcripts: intron variant (2).
Genome position (GRCh38, 1-based): chr17:63,930,243, C>T on the plus strand (G>A on the coding strand, the complement: CD79B is on the minus strand). VCF-style: chr17-63930243-C-T. GRCh37 (hg19) VCF-style: chr17-62007603-C-T.
Other names: c.264G>A, p.Gln88= (NM_001039933.3); c.119-355G>A (NM_021602.4); c.122-355G>A (NM_001329050.2); c.261G>A (NM_000626.3).
Identifiers: ClinVar variation 1603116 (VCV001603116.9), dbSNP rs191761650, ClinGen allele CA8708597.
Genomic context (GRCh38, chr17:63,930,243, plus strand): 5'-GAGGGTGGCGAGAGATTCGTTCTGGGACTCTTCCATGCGGCCCTTTTCCAGCTTCAGCTG[C>T]TGGGGATTCTCGTCCATCTCCTGCTTCCAGAGCCAGCTCACATTGCCGGAGGCGCTGTTC-3'
Protein context (NP_000617.1, residues 77-97): LWKQEMDENP[Gln87=]QLKLEKGRME